The following is an entry in ClinVar:

NM_000363.5(TNNI3):c.549+4A>T

Gene: TNNI3 (troponin I3, cardiac type; minus strand). Cytogenetic location: 19q13.42.
Variant type: single nucleotide variant.
Coding change: c.549+4A>T on transcript NM_000363.5 (MANE Select); 4 bases into the intron after coding-DNA position 549, A replaced by T.
Molecular consequence: intron variant.
Genome position (GRCh38, 1-based): chr19:55,154,026, T>A on the plus strand (A>T on the coding strand, the complement: TNNI3 is on the minus strand). VCF-style: chr19-55154026-T-A. GRCh37 (hg19) VCF-style: chr19-55665394-T-A.
Other names: c.549+4A>T (LRG_432t1).
Identifiers: ClinVar variation 572460 (VCV000572460.6), dbSNP rs1197428009, ClinGen allele CA891843807.

ClinVar aggregate classification (germline): Uncertain significance (1 of 4 stars; one submission).

Conditions:
Hypertrophic cardiomyopathy. Also called: HYPERTROPHIC MYOCARDIOPATHY. Identifiers: Orphanet 217569, MedGen C0007194, MeSH D002312, MONDO:0005045, HP:0001639.

Submission:

Labcorp Genetics (formerly Invitae), Labcorp
Classification: Uncertain significance for Hypertrophic cardiomyopathy. Last evaluated: 2018-03-23. Review status: criteria provided, single submitter. Criteria: Invitae Variant Classification Sherloc (09022015). Collection method: clinical testing. Allele origin: germline.
Comment: This variant has not been reported in the literature in individuals with TNNI3-related disease. Nucleotide substitutions within the consensus splice site are a relatively common cause of aberrant splicing (PMID: 17576681, 9536098). Algorithms developed to predict the effect of sequence changes on RNA splicing suggest that this variant may disrupt the consensus splice site, but this prediction has not been confirmed by published transcriptional studies. In summary, the available evidence is currently insufficient to determine the role of this variant in disease. Therefore, it has been classified as a Variant of Uncertain Significance. The current clinical and genetic evidence is not sufficient to establish whether loss-of-function variants in TNNI3 cause disease. This variant is not present in population databases (ExAC no frequency). This sequence change falls in intron 7 of the TNNI3 gene. It does not directly change the encoded amino acid sequence of the TNNI3 protein, but it affects a nucleotide within the consensus splice site of the intron.

Literature cited by the submitters: PubMed 17576681; PubMed 9536098.